The following is an entry in ClinVar:

ClinVar aggregate classification (germline): Uncertain significance (1 of 4 stars; one submission).

gnomAD v4.1: 1 of 1,597,264 alleles (0.000063%); no homozygotes.

Submission:

Ambry Genetics
Classification: Uncertain significance. Last evaluated: 2024-06-06. Review status: criteria provided, single submitter. Criteria: Ambry Variant Classification Scheme 2023. Collection method: clinical testing. Allele origin: germline.
Comment: The p.N827Y variant (also known as c.2479A>T), located in coding exon 22 of the PRKDC gene, results from an A to T substitution at nucleotide position 2479. The asparagine at codon 827 is replaced by tyrosine, an amino acid with dissimilar properties. This amino acid position is conserved. In addition, this alteration is predicted to be tolerated by in silico analysis. Based on the available evidence, the clinical significance of this variant remains unclear.

NM_006904.7(PRKDC):c.2479A>T (p.Asn827Tyr)

Gene: PRKDC (protein kinase, DNA-activated, catalytic subunit; minus strand). Cytogenetic location: 8q11.21.
Variant type: single nucleotide variant.
Coding change: c.2479A>T on transcript NM_006904.7 (MANE Select); coding-DNA position 2479, A replaced by T.
Protein change: p.Asn827Tyr; replaces asparagine 827 with tyrosine.
Molecular consequence: missense variant.
Genome position (GRCh38, 1-based): chr8:47,918,324, T>A on the plus strand (A>T on the coding strand, the complement: PRKDC is on the minus strand). VCF-style: chr8-47918324-T-A. GRCh37 (hg19) VCF-style: chr8-48830884-T-A.
Other names: c.2479A>T, p.Asn827Tyr (NM_001081640.2); short protein forms N827Y.
Identifiers: ClinVar variation 3310078 (VCV003310078.1).